The following is an entry in ClinVar:

ClinVar aggregate classification (germline): Conflicting classifications of pathogenicity. Review status: criteria provided, conflicting classifications (1 of 4 stars). 8 submissions from 8 submitters: Uncertain significance (6); Likely benign (2). Last evaluated 2026-01-12.

Conditions:
Inborn genetic diseases. Identifiers: MedGen C0950123, MeSH D030342.
Hereditary spastic paraplegia. Also called: Familial spastic paraparesis. Identifiers: Orphanet 685, MedGen C0037773, MONDO:0019064. Disease mechanism: loss of function.
Infantile onset spinocerebellar ataxia (MTDPS7). Also called: Mitochondrial DNA depletion syndrome 7 (hepatocerebral type); OPHTHALMOPLEGIA, HYPOTONIA, ATAXIA, HYPOACUSIS, AND ATHETOSIS; OHAHA SYNDROME; SPINOCEREBELLAR ATAXIA, INFANTILE, WITH SENSORY NEUROPATHY. Identifiers: Orphanet 1186, MedGen C1849096, MONDO:0010060, OMIM 271245.

Allele frequency attached by ClinVar (database versions not stated): ExAC 0.00005; gnomAD exomes 0.00006; TOPMed 0.00006; gnomAD 0.00009; 1000 Genomes Project 30x 0.00016; 1000 Genomes Project 0.00020.

Submissions (8):

Labcorp Genetics (formerly Invitae), Labcorp
Classification: Uncertain significance. Last evaluated: 2026-01-12. Review status: criteria provided, single submitter. Criteria: Invitae Variant Classification Sherloc (09022015). Collection method: clinical testing. Allele origin: germline.
Comment: This sequence change replaces lysine, which is basic and polar, with glutamine, which is neutral and polar, at codon 684 of the TWNK protein (p.Lys684Gln). This variant is present in population databases (rs369223258, gnomAD 0.01%). This missense change has been observed in individual(s) with autism spectrum disorder (PMID: 31133750, 35982159). ClinVar contains an entry for this variant (Variation ID: 279716). Invitae Evidence Modeling of protein sequence and biophysical properties (such as structural, functional, and spatial information, amino acid conservation, physicochemical variation, residue mobility, and thermodynamic stability) indicates that this missense variant is not expected to disrupt TWNK protein function with a negative predictive value of 95%. In summary, the available evidence is currently insufficient to determine the role of this variant in disease. Therefore, it has been classified as a Variant of Uncertain Significance.

CeGaT Center for Human Genetics Tuebingen
Classification: Likely benign. Last evaluated: 2025-04-01. Review status: criteria provided, single submitter. Criteria: CeGaT Center For Human Genetics Tuebingen Variant Classification Criteria Version 2. Collection method: clinical testing. Allele origin: germline. Affected: yes. Observed: 2 variant alleles.
Comment: TWNK: BP4, BS2

Blueprint Genetics
Classification: Uncertain significance. Last evaluated: 2024-11-23. Review status: criteria provided, single submitter. Criteria: ACMG Guidelines, 2015. Collection method: clinical testing. Allele origin: germline.

Mayo Clinic Laboratories, Mayo Clinic
Classification: Uncertain significance. Last evaluated: 2022-04-18. Review status: criteria provided, single submitter. Criteria: ACMG Guidelines, 2015. Collection method: clinical testing. Allele origin: germline. Observed: 3 variant alleles.
Comment: BP4

Ambry Genetics
Classification: Uncertain significance for Inborn genetic diseases. Last evaluated: 2021-06-18. Review status: criteria provided, single submitter. Criteria: Ambry Variant Classification Scheme 2023. Collection method: clinical testing. Allele origin: germline.

GeneDx
Classification: Likely benign. Last evaluated: 2021-01-06. Review status: criteria provided, single submitter. Criteria: GeneDx Variant Classification Process June 2021. Collection method: clinical testing. Allele origin: germline. Affected: yes.

Baylor Genetics
Classification: Uncertain significance for Infantile onset spinocerebellar ataxia. Last evaluated: 2018-10-15. Review status: criteria provided, single submitter. Criteria: ACMG Guidelines, 2015. Collection method: clinical testing. Allele origin: maternal. Affected: yes.
Comment: This variant was determined to be of uncertain significance according to ACMG Guidelines, 2015 [PMID:25741868].

Genome Diagnostics Laboratory, The Hospital for Sick Children
Classification: Uncertain significance for Hereditary spastic paraplegia. Last evaluated: 2017-10-02. Review status: criteria provided, single submitter. Criteria: ACMG Guidelines, 2015. Collection method: clinical testing. Allele origin: germline. Affected: yes.

Literature cited by the submitters: PubMed 31133750 (cited by Labcorp Genetics (formerly Invitae), Labcorp); PubMed 35982159 (cited by Labcorp Genetics (formerly Invitae), Labcorp).

NM_021830.5(TWNK):c.2050A>C (p.Lys684Gln)

Gene: TWNK (twinkle mtDNA helicase; plus strand). Cytogenetic location: 10q24.31.
Variant type: single nucleotide variant.
Coding change: c.2050A>C on transcript NM_021830.5 (MANE Select); coding-DNA position 2050, A replaced by C.
Protein change: p.Lys684Gln; replaces lysine 684 with glutamine.
Molecular consequence: missense variant. On other transcripts: 3 prime UTR variant (2), non-coding transcript variant (5).
Genome position (GRCh38, 1-based): chr10:100,993,505, A>C. VCF-style: chr10-100993505-A-C. GRCh37 (hg19) VCF-style: chr10-102753262-A-C.
Other names: p.Lys684Gln; c.*345A>C (NM_001163812.2, NM_001163814.2); c.688A>C, p.Lys230Gln (NM_001163813.2, NM_001368275.1); short protein forms K684Q, K230Q.
Identifiers: ClinVar variation 279716 (VCV000279716.34), dbSNP rs369223258, ClinGen allele CA5653396.